The following is an entry in ClinVar:

ClinVar aggregate classification (germline): Uncertain significance. Review status: criteria provided, multiple submitters, no conflicts (2 of 4 stars). 2 submissions from 2 submitters: Uncertain significance (2). Last evaluated 2023-04-15.

Conditions:
Inborn genetic diseases. Identifiers: MedGen C0950123, MeSH D030342.

Allele frequency attached by ClinVar (database versions not stated): gnomAD 0.00001.

Submissions (2):

Labcorp Genetics (formerly Invitae), Labcorp
Classification: Uncertain significance. Last evaluated: 2023-04-15. Review status: criteria provided, single submitter. Criteria: Invitae Variant Classification Sherloc (09022015). Collection method: clinical testing. Allele origin: germline.
Comment: This sequence change replaces glycine, which is neutral and non-polar, with alanine, which is neutral and non-polar, at codon 215 of the ANXA11 protein (p.Gly215Ala). This variant is not present in population databases (gnomAD no frequency). This variant has not been reported in the literature in individuals affected with ANXA11-related conditions. ClinVar contains an entry for this variant (Variation ID: 2305537). An algorithm developed to predict the effect of missense changes on protein structure and function (PolyPhen-2) suggests that this variant is likely to be disruptive. In summary, the available evidence is currently insufficient to determine the role of this variant in disease. Therefore, it has been classified as a Variant of Uncertain Significance.

Ambry Genetics
Classification: Uncertain significance for Inborn genetic diseases. Last evaluated: 2022-08-08. Review status: criteria provided, single submitter. Criteria: Ambry Variant Classification Scheme 2023. Collection method: clinical testing. Allele origin: germline.

NM_145868.2(ANXA11):c.644G>C (p.Gly215Ala)

Gene: ANXA11 (annexin A11; minus strand). Cytogenetic location: 10q22.3.
Variant type: single nucleotide variant.
Coding change: c.644G>C on transcript NM_145868.2 (MANE Select); coding-DNA position 644, G replaced by C.
Protein change: p.Gly215Ala; replaces glycine 215 with alanine.
Molecular consequence: missense variant.
Genome position (GRCh38, 1-based): chr10:80,167,231, C>G on the plus strand (G>C on the coding strand, the complement: ANXA11 is on the minus strand). VCF-style: chr10-80167231-C-G. GRCh37 (hg19) VCF-style: chr10-81926987-C-G.
Other names: c.644G>C, p.Gly215Ala (NM_001157.3, NM_001278407.2, NM_001278408.2 and 1 more transcripts); c.545G>C, p.Gly182Ala (NM_001278409.2); short protein forms G182A, G215A.
Identifiers: ClinVar variation 2305537 (VCV002305537.5), dbSNP rs758009574, ClinGen allele CA210331075.